The following is an entry in ClinVar:

ClinVar aggregate classification (germline): Conflicting classifications of pathogenicity. Review status: criteria provided, conflicting classifications (1 of 4 stars). 2 submissions from 2 submitters: Uncertain significance (1); Likely benign (1). Last evaluated 2023-03-23.

Conditions:
Hereditary cancer-predisposing syndrome. Also called: Hereditary neoplastic syndrome; Neoplastic Syndromes, Hereditary; Hereditary Cancer Syndrome; Tumor predisposition. Identifiers: Orphanet 140162, MedGen C0027672, MeSH D009386, MONDO:0015356.

Submissions (2):

University of Washington Department of Laboratory Medicine, University of Washington
Classification: Likely benign for Hereditary cancer-predisposing syndrome. Last evaluated: 2023-03-23. Review status: criteria provided, single submitter. Criteria: Dines et al. (Genet Med. 2020). Collection method: curation. Allele origin: germline.
Comment: Missense variant in a coldspot region where missense variants are very unlikely to be pathogenic (PMID:31911673).

BRCA2 exon 10 coldspot. Reclassification based on statistical prior probability.

Eurofins Ntd Llc (ga)
Classification: Uncertain significance. Last evaluated: 2014-10-03. Review status: criteria provided, single submitter. Criteria: EGL Classification Definitions 2015. Collection method: clinical testing. Allele origin: germline. Observed: 1 variant allele, 1 heterozygote.

NM_000059.4(BRCA2):c.1661G>T (p.Cys554Phe)

Gene: BRCA2 (BRCA2 DNA repair associated; plus strand). Cytogenetic location: 13q13.1.
Variant type: single nucleotide variant.
Coding change: c.1661G>T on transcript NM_000059.4 (MANE Select); coding-DNA position 1661, G replaced by T.
Protein change: p.Cys554Phe; replaces cysteine 554 with phenylalanine.
Molecular consequence: missense variant.
Genome position (GRCh38, 1-based): chr13:32,333,139, G>T. VCF-style: chr13-32333139-G-T. GRCh37 (hg19) VCF-style: chr13-32907276-G-T.
Other names: short protein forms C554F.
Identifiers: ClinVar variation 193552 (VCV000193552.6), dbSNP rs748215651, ClinGen allele CA012821.
Genomic context (GRCh38, chr13:32,333,139, plus strand): 5'-AAGCCTCTGAAAGTGGACTGGAAATACATACTGTTTGCTCACAGAAGGAGGACTCCTTAT[G>T]TCCAAATTTAATTGATAATGGAAGCTGGCCAGCCACCACCACACAGAATTCTGTAGCTTT-3'
Protein context (NP_000050.3, residues 544-564): TVCSQKEDSL[Cys554Phe]PNLIDNGSWP